The following is an entry in ClinVar:

NM_001291303.3(FAT4):c.6938G>A (p.Ser2313Asn)

Gene: FAT4 (FAT atypical cadherin 4; plus strand). Cytogenetic location: 4q28.1.
Variant type: single nucleotide variant.
Coding change: c.6938G>A on transcript NM_001291303.3 (MANE Select); coding-DNA position 6938, G replaced by A.
Protein change: p.Ser2313Asn; replaces serine 2313 with asparagine.
Molecular consequence: missense variant.
Genome position (GRCh38, 1-based): chr4:125,416,542, G>A. VCF-style: chr4-125416542-G-A. GRCh37 (hg19) VCF-style: chr4-126337697-G-A.
Other names: c.6938G>A, p.Ser2313Asn (NM_001291285.3, NM_024582.6); short protein forms S2313N.
Identifiers: ClinVar variation 1517826 (VCV001517826.6), dbSNP rs2126028937, ClinGen allele CA358131597.

ClinVar aggregate classification (germline): Uncertain significance (1 of 4 stars; one submission).

Allele frequency attached by ClinVar (database versions not stated): gnomAD exomes below 0.00001.
gnomAD v4.1: 2 of 1,614,056 alleles (0.00012%); highest among the groups gnomAD compares: South Asian, 0.0011%; no homozygotes.

Submission:

Labcorp Genetics (formerly Invitae), Labcorp
Classification: Uncertain significance. Last evaluated: 2021-09-06. Review status: criteria provided, single submitter. Criteria: Invitae Variant Classification Sherloc (09022015). Collection method: clinical testing. Allele origin: germline.
Comment: In summary, the available evidence is currently insufficient to determine the role of this variant in disease. Therefore, it has been classified as a Variant of Uncertain Significance. Advanced modeling of protein sequence and biophysical properties (such as structural, functional, and spatial information, amino acid conservation, physicochemical variation, residue mobility, and thermodynamic stability) performed at Invitae indicates that this missense variant is not expected to disrupt FAT4 protein function. This variant has not been reported in the literature in individuals affected with FAT4-related conditions. This sequence change replaces serine with asparagine at codon 2313 of the FAT4 protein (p.Ser2313Asn). The serine residue is highly conserved and there is a small physicochemical difference between serine and asparagine. This variant is not present in population databases (ExAC no frequency).